The following is an entry in ClinVar:

ClinVar aggregate classification (germline): Uncertain significance (1 of 4 stars; one submission).

Submission:

GeneDx
Classification: Uncertain significance. Last evaluated: 2018-12-18. Review status: criteria provided, single submitter. Criteria: GeneDx Variant Classification Process June 2021. Collection method: clinical testing. Allele origin: germline. Affected: yes.
Comment: Not observed in large population cohorts (Lek et al., 2016); In silico analysis, which includes protein predictors and evolutionary conservation, supports a deleterious effect; Has not been previously published as pathogenic or benign to our knowledge

NM_001376.5(DYNC1H1):c.1767T>G (p.Asn589Lys)

Gene: DYNC1H1 (dynein cytoplasmic 1 heavy chain 1; plus strand). Cytogenetic location: 14q32.31.
Variant type: single nucleotide variant.
Coding change: c.1767T>G on transcript NM_001376.5 (MANE Select); coding-DNA position 1767, T replaced by G.
Protein change: p.Asn589Lys; replaces asparagine 589 with lysine.
Molecular consequence: missense variant.
Genome position (GRCh38, 1-based): chr14:101,985,992, T>G. VCF-style: chr14-101985992-T-G. GRCh37 (hg19) VCF-style: chr14-102452329-T-G.
Other names: short protein forms N589K.
Identifiers: ClinVar variation 1304435 (VCV001304435.2), dbSNP rs769481018, ClinGen allele CA391019290.
Genomic context (GRCh38, chr14:101,985,992, plus strand): 5'-GGATCAGCTTGGCACAGCCAAGAATGCCAACGAGATGTTTAGGATTTTCTCCAGGTTTAA[T>G]GCACTGTTTGTCAGGCCTCACATCCGTGGGGCCATTCGCGAATACCAGACCCAGCTGATC-3'
Protein context (NP_001367.2, residues 579-599): NEMFRIFSRF[Asn589Lys]ALFVRPHIRG